The following is an entry in ClinVar:

ClinVar aggregate classification (germline): Likely benign. Review status: criteria provided, multiple submitters, no conflicts (2 of 4 stars). 3 submissions from 3 submitters: Likely benign (3). Last evaluated 2026-09-01.

Allele frequency attached by ClinVar (database versions not stated): TOPMed 0.00006; ExAC 0.00009; gnomAD 0.00016; gnomAD exomes 0.00020.
gnomAD v4.1: 328 of 1,612,386 alleles (0.02%); highest among the groups gnomAD compares: African/African-American, 0.024%; no homozygotes.

Submissions (3):

CeGaT Center for Human Genetics Tuebingen
Classification: Likely benign. Last evaluated: 2026-09-01. Review status: criteria provided, single submitter. Criteria: CeGaT Center For Human Genetics Tuebingen Variant Classification Criteria Version 2. Collection method: clinical testing. Allele origin: germline. Affected: yes. Observed: 1 variant allele.
Comment: FRAS1: BP4, BP7

Labcorp Genetics (formerly Invitae), Labcorp
Classification: Likely benign. Last evaluated: 2026-01-12. Review status: criteria provided, single submitter. Criteria: Invitae Variant Classification Sherloc (09022015). Collection method: clinical testing. Allele origin: germline.

Blueprint Genetics
Classification: Likely benign. Last evaluated: 2024-09-09. Review status: criteria provided, single submitter. Criteria: ACMG Guidelines, 2015. Collection method: clinical testing. Allele origin: germline.

NM_025074.7(FRAS1):c.1995C>T (p.Pro665=)

Gene: FRAS1 (Fraser extracellular matrix complex subunit 1; plus strand). Cytogenetic location: 4q21.21.
Variant type: single nucleotide variant.
Coding change: c.1995C>T on transcript NM_025074.7 (MANE Select); coding-DNA position 1995, C replaced by T.
Protein change: p.Pro665=; no amino-acid change (proline 665 retained).
Molecular consequence: synonymous variant.
Genome position (GRCh38, 1-based): chr4:78,318,844, C>T. VCF-style: chr4-78318844-C-T. GRCh37 (hg19) VCF-style: chr4-79239998-C-T.
Other names: c.1995C>T, p.Pro665= (NM_001166133.2).
Identifiers: ClinVar variation 2884399 (VCV002884399.5), dbSNP rs772108894, ClinGen allele CA2976528.